The following is an entry in ClinVar:

ClinVar aggregate classification (germline): Uncertain significance (1 of 4 stars; one submission).

Allele frequency attached by ClinVar (database versions not stated): TOPMed below 0.00001; gnomAD 0.00001; gnomAD exomes 0.00001; ExAC 0.00004.
gnomAD v4.1: 13 of 1,613,958 alleles (0.00081%); highest among the groups gnomAD compares: Admixed American, 0.013%; no homozygotes.

Submission:

Labcorp Genetics (formerly Invitae), Labcorp
Classification: Uncertain significance. Last evaluated: 2024-11-05. Review status: criteria provided, single submitter. Criteria: Invitae Variant Classification Sherloc (09022015). Collection method: clinical testing. Allele origin: germline.
Comment: This sequence change replaces glycine, which is neutral and non-polar, with valine, which is neutral and non-polar, at codon 618 of the NRIP1 protein (p.Gly618Val). This variant is present in population databases (rs765284925, gnomAD 0.01%). This variant has not been reported in the literature in individuals affected with NRIP1-related conditions. ClinVar contains an entry for this variant (Variation ID: 2180135). An algorithm developed to predict the effect of missense changes on protein structure and function (PolyPhen-2) suggests that this variant is likely to be tolerated. In summary, the available evidence is currently insufficient to determine the role of this variant in disease. Therefore, it has been classified as a Variant of Uncertain Significance.

NM_003489.4(NRIP1):c.1853G>T (p.Gly618Val)

Gene: NRIP1 (nuclear receptor interacting protein 1; minus strand). Cytogenetic location: 21q11.2.
Variant type: single nucleotide variant.
Coding change: c.1853G>T on transcript NM_003489.4 (MANE Select); coding-DNA position 1853, G replaced by T.
Protein change: p.Gly618Val; replaces glycine 618 with valine.
Molecular consequence: missense variant.
Genome position (GRCh38, 1-based): chr21:14,966,340, C>A on the plus strand (G>T on the coding strand, the complement: NRIP1 is on the minus strand). VCF-style: chr21-14966340-C-A. GRCh37 (hg19) VCF-style: chr21-16338661-C-A.
Other names: short protein forms G618V.
Identifiers: ClinVar variation 2180135 (VCV002180135.4), dbSNP rs765284925, ClinGen allele CA9981255.